The following is an entry in ClinVar:

ClinVar aggregate classification (germline): Uncertain significance (1 of 4 stars; one submission).

Conditions:
Inborn genetic diseases. Identifiers: MedGen C0950123, MeSH D030342.

Submission:

Ambry Genetics
Classification: Uncertain significance for Inborn genetic diseases. Last evaluated: 2026-07-01. Review status: criteria provided, single submitter. Criteria: Ambry Variant Classification Scheme 2023. Collection method: clinical testing. Allele origin: germline.
Comment: The p.L405P variant (also known as c.1214T>C), located in coding exon 8 of the RUNX1 gene, results from a T to C substitution at nucleotide position 1214. The leucine at codon 405 is replaced by proline, an amino acid with similar properties. This amino acid position is conserved. In addition, the in silico prediction for this alteration is inconclusive. Based on the available evidence, the clinical significance of this variant remains unclear.

NM_001754.5(RUNX1):c.1214T>C (p.Leu405Pro)

Gene: RUNX1 (RUNX family transcription factor 1; minus strand). Cytogenetic location: 21q22.12.
Variant type: single nucleotide variant.
Coding change: c.1214T>C on transcript NM_001754.5 (MANE Select); coding-DNA position 1214, T replaced by C.
Protein change: p.Leu405Pro; replaces leucine 405 with proline.
Molecular consequence: missense variant.
Genome position (GRCh38, 1-based): chr21:34,792,364, A>G on the plus strand (T>C on the coding strand, the complement: RUNX1 is on the minus strand). VCF-style: chr21-34792364-A-G. GRCh37 (hg19) VCF-style: chr21-36164661-A-G.
Other names: c.1133T>C, p.Leu378Pro (NM_001001890.3); short protein forms L378P, L405P.
Identifiers: ClinVar variation 5028559 (VCV005028559.1).
Genomic context (GRCh38, chr21:34,792,364, plus strand): 5'-GGCGAGCGCTCGCCGCCCACCATGGAGAACTGGTAGGAGCCGGCCGAGGCGCCGTAGTAC[A>G]GGTGGTAGGAGGGCGAGCTGGCTTGGAACGGGCCTCCCTGCGCTTGCGACGAGCCGGGGT-3'
Protein context (NP_001745.2, residues 395-415): PFQASSPSYH[Leu405Pro]YYGASAGSYQ